The following is an entry in ClinVar:

NM_004281.4(BAG3):c.70C>T (p.Pro24Ser)

Gene: BAG3 (BAG cochaperone 3; plus strand). Cytogenetic location: 10q26.11.
Variant type: single nucleotide variant.
Coding change: c.70C>T on transcript NM_004281.4 (MANE Select); coding-DNA position 70, C replaced by T.
Protein change: p.Pro24Ser; replaces proline 24 with serine.
Molecular consequence: missense variant.
Genome position (GRCh38, 1-based): chr10:119,651,745, C>T. VCF-style: chr10-119651745-C-T. GRCh37 (hg19) VCF-style: chr10-121411257-C-T.
Other names: short protein forms P24S.
Identifiers: ClinVar variation 1059911 (VCV001059911.8), dbSNP rs2134050540, ClinGen allele CA378294109.

ClinVar aggregate classification (germline): Uncertain significance (1 of 4 stars; one submission).

Conditions:
Myofibrillar myopathy 6. Identifiers: Orphanet 199340, MedGen C2751831, MONDO:0013061, OMIM 612954.
Dilated cardiomyopathy 1HH (CMD1HH). Identifiers: Orphanet 154, MedGen C3151293, MONDO:0013479, OMIM 613881.

Allele frequency attached by ClinVar (database versions not stated): gnomAD exomes 0.00001.
gnomAD v4.1: 3 of 1,599,744 alleles (0.00019%); highest among the groups gnomAD compares: Non-Finnish European, 0.00026%; no homozygotes.

Submission:

Labcorp Genetics (formerly Invitae), Labcorp
Classification: Uncertain significance for Dilated cardiomyopathy 1HH; Myofibrillar myopathy 6. Last evaluated: 2022-12-31. Review status: criteria provided, single submitter. Criteria: Invitae Variant Classification Sherloc (09022015). Collection method: clinical testing. Allele origin: germline.
Comment: In summary, the available evidence is currently insufficient to determine the role of this variant in disease. Therefore, it has been classified as a Variant of Uncertain Significance. Algorithms developed to predict the effect of missense changes on protein structure and function are either unavailable or do not agree on the potential impact of this missense change (SIFT: "Tolerated"; PolyPhen-2: "Probably Damaging"; Align-GVGD: "Class C0"). ClinVar contains an entry for this variant (Variation ID: 1059911). This variant has not been reported in the literature in individuals affected with BAG3-related conditions. This variant is not present in population databases (gnomAD no frequency). This sequence change replaces proline, which is neutral and non-polar, with serine, which is neutral and polar, at codon 24 of the BAG3 protein (p.Pro24Ser).